The following is an entry in ClinVar:

ClinVar aggregate classification (germline): Conflicting classifications of pathogenicity. Review status: criteria provided, conflicting classifications (1 of 4 stars). 2 submissions from 2 submitters: Likely pathogenic (1); Uncertain significance (1). Last evaluated 2023-11-02.

Conditions:
Neurofibromatosis, type 1 (NF1). Also called: VON RECKLINGHAUSEN DISEASE; NEUROFIBROMATOSIS, TYPE I, SOMATIC; Peripheral type neurofibromatosis; Neurofibromatosis, type I. Identifiers: Orphanet 636, MedGen C0027831, MONDO:0018975, OMIM 162200. Disease mechanism: loss of function.

Submissions (2):

Clinical Genomics Laboratory, Washington University in St. Louis
Classification: Uncertain significance for Neurofibromatosis, type 1. Last evaluated: 2023-11-02. Review status: criteria provided, single submitter. Criteria: ACMG Guidelines, 2015. Collection method: clinical testing. Allele origin: somatic.
Comment: An NF1 c.2117C>T (p.Ala706Val) variant was identified at an allelic fraction consistent with somatic origin. The NF1 c.2117C>T (p.Ala706Val) variant has been reported in one case in the cancer database COSMIC (COSMIC Genomic Mutation ID COSV62215558 ) and it has been reported in the ClinVar database as likely pathogenic by one submitter (ClinVar ID: 1700015). This variant is absent from the general population (gnomAD v.3.1.2), indicating it is not a common variant. Computational predictors are conflicting as to the impact of this variant on NF1 function. The NF1 gene is a gene that has a low rate of benign missense variation and where pathogenic missense variants are a known mechanism of disease. Due to limited information, and based on an internally developed protocol informed by the ACMG/AMP guidelines for variant interpretation (Richards S et al., PMID: 25741868), the NF1 c.2117C>T (p.Ala706Val) variant is classified as being of uncertain significance at this time.

Institute of Human Genetics, Cologne University
Classification: Likely pathogenic for Neurofibromatosis, type 1. Last evaluated: 2022-06-15. Review status: criteria provided, single submitter. Criteria: ACMG Guidelines, 2015. Collection method: clinical testing. Allele origin: de novo. Affected: yes.

NM_001042492.3(NF1):c.2117C>T (p.Ala706Val)

Gene: NF1 (neurofibromin 1; plus strand). Cytogenetic location: 17q11.2.
Variant type: single nucleotide variant.
Coding change: c.2117C>T on transcript NM_001042492.3 (MANE Select); coding-DNA position 2117, C replaced by T.
Protein change: p.Ala706Val; replaces alanine 706 with valine.
Molecular consequence: missense variant.
Genome position (GRCh38, 1-based): chr17:31,226,550, C>T. VCF-style: chr17-31226550-C-T. GRCh37 (hg19) VCF-style: chr17-29553568-C-T.
Other names: c.2117C>T, p.Ala706Val (NM_000267.4); short protein forms A706V.
Identifiers: ClinVar variation 1700015 (VCV001700015.2), dbSNP rs2151425819, ClinGen allele CA398982292.